The following is an entry in ClinVar:

ClinVar aggregate classification (germline): Uncertain significance. Review status: criteria provided, multiple submitters, no conflicts (2 of 4 stars). 2 submissions from 2 submitters: Uncertain significance (2). Last evaluated 2025-09-25.

Conditions:
Inborn genetic diseases. Identifiers: MedGen C0950123, MeSH D030342.

Allele frequency attached by ClinVar (database versions not stated): gnomAD exomes below 0.00001; gnomAD 0.00001 and 0.00002; TOPMed 0.00003; 1000 Genomes Project 30x 0.00031.
gnomAD v4.1: 4 of 1,019,040 alleles (0.00039%); highest among the groups gnomAD compares: African/African-American, 0.007%; no homozygotes.

Submissions (2):

Ambry Genetics
Classification: Uncertain significance for Inborn genetic diseases. Last evaluated: 2025-09-25. Review status: criteria provided, single submitter. Criteria: Ambry Variant Classification Scheme 2023. Collection method: clinical testing. Allele origin: germline.

Labcorp Genetics (formerly Invitae), Labcorp
Classification: Uncertain significance. Last evaluated: 2024-12-16. Review status: criteria provided, single submitter. Criteria: Invitae Variant Classification Sherloc (09022015). Collection method: clinical testing. Allele origin: germline.
Comment: This sequence change replaces glycine, which is neutral and non-polar, with serine, which is neutral and polar, at codon 42 of the GRIN2D protein (p.Gly42Ser). The frequency data for this variant in the population databases is considered unreliable, as metrics indicate insufficient coverage at this position in the gnomAD database. This variant has not been reported in the literature in individuals affected with GRIN2D-related conditions. ClinVar contains an entry for this variant (Variation ID: 1460829). Invitae Evidence Modeling of protein sequence and biophysical properties (such as structural, functional, and spatial information, amino acid conservation, physicochemical variation, residue mobility, and thermodynamic stability) indicates that this missense variant is not expected to disrupt GRIN2D protein function with a negative predictive value of 95%. In summary, the available evidence is currently insufficient to determine the role of this variant in disease. Therefore, it has been classified as a Variant of Uncertain Significance.

NM_000836.4(GRIN2D):c.124G>A (p.Gly42Ser)

Genes: GRIN2D (glutamate ionotropic receptor NMDA type subunit 2D; plus strand), LOC130064855 (ATAC-STARR-seq lymphoblastoid silent region 10879; plus strand). Cytogenetic location: 19q13.33.
Variant type: single nucleotide variant.
Coding change: c.124G>A on transcript NM_000836.4 (MANE Select); coding-DNA position 124, G replaced by A.
Protein change: p.Gly42Ser; replaces glycine 42 with serine.
Molecular consequence: missense variant.
Genome position (GRCh38, 1-based): chr19:48,398,516, G>A. VCF-style: chr19-48398516-G-A. GRCh37 (hg19) VCF-style: chr19-48901773-G-A.
Other names: c.124G>A (NM_000836.2); short protein forms G42S.
Identifiers: ClinVar variation 1460829 (VCV001460829.7), dbSNP rs935434195, ClinGen allele CA309325485.